The following is an entry in ClinVar:

NM_000719.7(CACNA1C):c.1218-3C>T

Gene: CACNA1C (calcium voltage-gated channel subunit alpha1 C; plus strand). Cytogenetic location: 12p13.33.
Variant type: single nucleotide variant.
Coding change: c.1218-3C>T on transcript NM_000719.7 (MANE Select); 3 bases into the intron before coding-DNA position 1218, C replaced by T.
Molecular consequence: intron variant.
Genome position (GRCh38, 1-based): chr12:2,512,809, C>T. VCF-style: chr12-2512809-C-T. GRCh37 (hg19) VCF-style: chr12-2621975-C-T.
Other names: c.1218-3C>T (NM_001167624.3, NM_001167623.2, NM_001167625.2 and 18 more transcripts); c.1209-3C>T (NM_001129844.2).
Identifiers: ClinVar variation 3262715 (VCV003262715.1).

ClinVar aggregate classification (germline): Uncertain significance (1 of 4 stars; one submission).

Conditions:
Cardiovascular phenotype. Identifiers: MedGen CN230736.

gnomAD v4.1: 2 of 1,608,358 alleles (0.00012%); highest among the groups gnomAD compares: South Asian, 0.0011%; no homozygotes.

Submission:

Ambry Genetics
Classification: Uncertain significance for Cardiovascular phenotype. Last evaluated: 2024-04-08. Review status: criteria provided, single submitter. Criteria: Ambry Variant Classification Scheme 2023. Collection method: clinical testing. Allele origin: germline.
Comment: The c.1218-3C>T intronic variant results from a C to T substitution 3 nucleotides upstream from coding exon 9 in the CACNA1C gene. This nucleotide position is well conserved in available vertebrate species. In silico splice site analysis for this alteration is inconclusive. Based on the available evidence, the clinical significance of this variant remains unclear.